The following is an entry in ClinVar:

NM_001258392.3(CLPB):c.543-1G>A

Gene: CLPB (ClpB family mitochondrial disaggregase; minus strand). Cytogenetic location: 11q13.4.
Variant type: single nucleotide variant.
Coding change: c.543-1G>A on transcript NM_001258392.3 (MANE Select); the canonical splice acceptor site of the intron before coding-DNA position 543, G replaced by A.
Molecular consequence: splice acceptor variant.
Genome position (GRCh38, 1-based): chr11:72,380,385, C>T on the plus strand (G>A on the coding strand, the complement: CLPB is on the minus strand). VCF-style: chr11-72380385-C-T. GRCh37 (hg19) VCF-style: chr11-72091429-C-T.
Other names: c.456-1G>A (NM_001258393.3); c.543-1G>A (NM_030813.6); c.408-1G>A (NM_001258394.3).
Identifiers: ClinVar variation 3645319 (VCV003645319.2).

ClinVar aggregate classification (germline): Likely pathogenic (1 of 4 stars; one submission).

Conditions:
3-methylglutaconic aciduria, type VIIB (MGCA7B). Also called: 3-methylglutaconic aciduria, type VII, with cataracts, neurologic involvement and neutropenia; CLPB Deficiency; 3-methylglutaconic aciduria with cataracts, neurologic involvement and neutropenia. Identifiers: Orphanet 445038, MedGen C5676893, MONDO:0014561, OMIM 616271.

Submission:

Labcorp Genetics (formerly Invitae), Labcorp
Classification: Likely pathogenic for 3-methylglutaconic aciduria, type VIIB. Last evaluated: 2024-09-26. Review status: criteria provided, single submitter. Criteria: Invitae Variant Classification Sherloc (09022015). Collection method: clinical testing. Allele origin: germline.
Comment: This sequence change affects an acceptor splice site in intron 3 of the CLPB gene. It is expected to disrupt RNA splicing. Variants that disrupt the donor or acceptor splice site typically lead to a loss of protein function (PMID: 16199547), and loss-of-function variants in CLPB are known to be pathogenic (PMID: 25597510, 28687938). This variant is not present in population databases (gnomAD no frequency). This variant has not been reported in the literature in individuals affected with CLPB-related conditions. Algorithms developed to predict the effect of sequence changes on RNA splicing suggest that this variant may disrupt the consensus splice site. In summary, the currently available evidence indicates that the variant is pathogenic, but additional data are needed to prove that conclusively. Therefore, this variant has been classified as Likely Pathogenic.

Literature cited by the submitters: PubMed 16199547; PubMed 25597510; PubMed 28687938.